The following is an entry in ClinVar:

NM_001009944.3(PKD1):c.1557C>T (p.Thr519=)

Gene: PKD1 (polycystin 1, transient receptor potential channel interacting; minus strand). Cytogenetic location: 16p13.3.
Variant type: single nucleotide variant.
Coding change: c.1557C>T on transcript NM_001009944.3 (MANE Select); coding-DNA position 1557, C replaced by T.
Protein change: p.Thr519=; no amino-acid change (threonine 519 retained).
Molecular consequence: synonymous variant.
Genome position (GRCh38, 1-based): chr16:2,116,882, G>A on the plus strand (C>T on the coding strand, the complement: PKD1 is on the minus strand). VCF-style: chr16-2116882-G-A. GRCh37 (hg19) VCF-style: chr16-2166883-G-A.
Other names: c.1557C>T, p.Thr519= (NM_000296.4).
Identifiers: ClinVar variation 447973 (VCV000447973.33), dbSNP rs561467860, ClinGen allele CA7833494.

ClinVar aggregate classification (germline): Likely benign. Review status: criteria provided, multiple submitters, no conflicts (2 of 4 stars). 9 submissions from 9 submitters: Likely benign (7). 2 of the submissions do not count toward it. Last evaluated 2026-02-04.

Conditions:
PKD1-related disorder. Also called: PKD1-related condition.
Polycystic kidney disease, adult type (PKD1). Also called: Polycystic Kidney Disease 1, Autosomal Dominant; Polycystic kidney disease 1; Polycystic kidney disease 1, severe; POLYCYSTIC KIDNEY DISEASE 1 WITH OR WITHOUT POLYCYSTIC LIVER DISEASE; Polycystic Kidney, Autosomal Dominant; POLYCYSTIC KIDNEY DISEASE, ADULT, TYPE I. Identifiers: MedGen C3149841, MONDO:0008263, OMIM 173900.
Polycystic kidney disease. Also called: Kidney, Polycystic; Polycystic kidney dysplasia. Identifiers: MedGen C0022680, MeSH D007690, MONDO:0020642, HP:0000113.

Allele frequency attached by ClinVar (database versions not stated): ExAC 0.00017; 1000 Genomes Project 0.00020; gnomAD 0.00011 and 0.00016; gnomAD exomes 0.00011; TOPMed 0.00012; 1000 Genomes Project 30x 0.00016.
gnomAD v4.1: 176 of 1,531,962 alleles (0.011%); highest among the groups gnomAD compares: Middle Eastern, 0.25%; no homozygotes.

Submissions (9):

Women's Health and Genetics/Laboratory Corporation of America, LabCorp
Classification: Likely benign. Last evaluated: 2026-02-04. Review status: criteria provided, single submitter. Criteria: LabCorp Variant Classification Summary - May 2015. Collection method: clinical testing. Allele origin: germline.

Laboratory of Genetics, Children's Clinical University Hospital Latvia
Classification: Likely benign. Last evaluated: 2025-02-16. Review status: criteria provided, single submitter. Criteria: ACMG Guidelines, 2015. Collection method: clinical testing. Allele origin: germline. Affected: yes.

Blueprint Genetics
Classification: Likely benign. Last evaluated: 2024-09-16. Review status: criteria provided, single submitter. Criteria: ACMG Guidelines, 2015. Collection method: clinical testing. Allele origin: germline.

CeGaT Center for Human Genetics Tuebingen
Classification: Likely benign. Last evaluated: 2023-01-01. Review status: criteria provided, single submitter. Criteria: CeGaT Center For Human Genetics Tuebingen Variant Classification Criteria Version 2. Collection method: clinical testing. Allele origin: germline. Affected: yes. Observed: 2 variant alleles.
Comment: PKD1: BP4, BP7

Fulgent Genetics
Classification: Likely benign for Polycystic kidney disease, adult type. Last evaluated: 2021-09-23. Review status: criteria provided, single submitter. Criteria: ACMG Guidelines, 2015. Collection method: clinical testing. Allele origin: unknown.

GeneDx
Classification: Likely benign. Last evaluated: 2021-02-26. Review status: criteria provided, single submitter. Criteria: GeneDx Variant Classification Process June 2021. Collection method: clinical testing. Allele origin: germline. Affected: yes.
Comment: This variant is associated with the following publications: (PMID: 22383692)

Athena Diagnostics
Classification: Likely benign. Last evaluated: 2016-09-01. Review status: criteria provided, single submitter. Criteria: Athena Diagnostics Criteria. Collection method: clinical testing. Allele origin: germline.

PreventionGenetics, part of Exact Sciences
Classification: Likely benign for PKD1-related condition. Last evaluated: 2021-05-26. Review status: no assertion criteria provided. Collection method: clinical testing. Allele origin: germline. Not counted in ClinVar's aggregate classification.
Comment: This variant is classified as likely benign based on ACMG/AMP sequence variant interpretation guidelines (Richards et al. 2015 PMID: 25741868, with internal and published modifications).

Department of Pathology and Laboratory Medicine, Sinai Health System
Classification: Uncertain significance for Polycystic Kidney disease. Review status: no assertion criteria provided. Collection method: clinical testing. Allele origin: unknown. Affected: yes. Study: The Canadian Open Genetics Repository (COGR). Not counted in ClinVar's aggregate classification.
Comment: The PKD1 p.Thr519= variant was identified in 1 of 460 proband chromosomes (frequency: 0.002) from individuals or families with autosomal dominant polycystic kidney disease (Rossetti 2012). It was also identified in dbSNP (ID: rs561467860) as "With Likely benign allele", ClinVar (classified as likely benign by Athena Diagnostics Inc.) and in the ADPKD Mutation Database (as likely neutral). The variant was not identified in the LOVD 3.0 or PKD1-LOVD databases. It was identified in control databases in 18 of 158020 chromosomes at a frequency of 0.0001 (Genome Aggregation Database Feb 27, 2017). It was observed in the following populations: European in 16 of 62580 chromosomes (freq: 0.0003) and East Asian in 2 of 11602 chromosomes (freq: 0.0002), while it was not observed in the African, Other, Latino, Ashkenazi Jewish, Finnish, or South Asian populations. In addition, we cannot be certain that data from control databases are specific to PKD1 and not from one of the six PKD1 pseudogenes. The p.Thr519= variant is not expected to have clinical significance because it does not result in a change of amino acid and is not located in a known consensus splice site. However, 1 of 4 in silico or computational prediction software programs (SpliceSiteFinder, MaxEntScan, NNSPLICE, GeneSplicer) predicts a greater than 10% difference in splicing; this is not very predictive of pathogenicity. This variant was identified with a co-occurring, pathogenic variant in PKD2 (c.1081C>T, p.Arg361*), increasing the likelihood that this variant does not have clinical significance. In summary, based on the above information, the clinical significance of this variant cannot be determined with certainty at this time. This variant is classified as a variant of uncertain significance.